The following is an entry in ClinVar:

NM_001082486.2(ACD):c.1370_1371delinsTT (p.Pro457Leu)

Gene: ACD (ACD shelterin complex subunit and telomerase recruitment factor; minus strand). Cytogenetic location: 16q22.1.
Variant type: Indel.
Coding change: c.1370_1371delinsTT on transcript NM_001082486.2 (MANE Select); coding-DNA positions 1370 to 1371, CG replaced by TT.
Protein change: p.Pro457Leu; replaces proline 457 with leucine.
Molecular consequence: missense variant.
Genome position (GRCh38, 1-based): chr16:67,657,612-67,657,613, CG replaced by AA on the plus strand (CG replaced by TT on the coding strand, the reverse complement: ACD is on the minus strand). VCF-style: chr16-67657612-CG-AA. GRCh37 (hg19) VCF-style: chr16-67691515-CG-AA.
Other names: c.1361_1362delinsTT, p.Pro454Leu (NM_022914.3); short protein forms P454L, P457L.
Identifiers: ClinVar variation 1061414 (VCV001061414.7), dbSNP rs2142965523, ClinGen allele CA2499223633.
Genomic context (GRCh38, chr16:67,657,612, plus strand): 5'-TTAAAAAACTCAAAGGAAGCAGAGTGTGGAGCGGTATCTGTCCTGCGTGACGTCTCACAT[CG>AA]GAGTTGGCTCAGACCCTGGCTGTGCATCCATCAGAAAGTGCAAGGCCCAGGCCATGAGCT-3'
Protein context (NP_001075955.2, residues 447-458): MDAQPGSEPT[Pro457Leu]M

ClinVar aggregate classification (germline): Uncertain significance (1 of 4 stars; one submission).

Conditions:
Dyskeratosis congenita, autosomal dominant 6 (DKCA6). Identifiers: Orphanet 3322, MedGen C4225284, MONDO:0014690, OMIM 616553.

Submission:

Labcorp Genetics (formerly Invitae), Labcorp
Classification: Uncertain significance for Dyskeratosis congenita, autosomal dominant 6. Last evaluated: 2020-09-23. Review status: criteria provided, single submitter. Criteria: Invitae Variant Classification Sherloc (09022015). Collection method: clinical testing. Allele origin: germline.
Comment: In summary, the available evidence is currently insufficient to determine the role of this variant in disease. Therefore, it has been classified as a Variant of Uncertain Significance. Algorithms developed to predict the effect of missense changes on protein structure and function are either unavailable or do not agree on the potential impact of this missense change (SIFT: "Not Available"; PolyPhen-2: "Benign"; Align-GVGD: "Not Available"). This variant has not been reported in the literature in individuals with ACD-related conditions. The frequency data for this variant in the population databases is not available, as this variant may be reported as separate entries in the ExAC database. This sequence change replaces proline with leucine at codon 543 of the ACD protein (p.Pro543Leu). The proline residue is weakly conserved and there is a moderate physicochemical difference between proline and leucine.